The following is an entry in ClinVar:

ClinVar aggregate classification (germline): Uncertain significance (1 of 4 stars; one submission).

gnomAD v4.1: 2 of 1,614,190 alleles (0.00012%); highest among the groups gnomAD compares: East Asian, 0.0022%; no homozygotes.

Submission:

GeneDx
Classification: Uncertain significance. Last evaluated: 2024-04-14. Review status: criteria provided, single submitter. Criteria: GeneDx Variant Classification Process June 2021. Collection method: clinical testing. Allele origin: germline. Affected: yes.
Comment: Not observed at significant frequency in large population cohorts (gnomAD); In silico analysis supports that this missense variant has a deleterious effect on protein structure/function; Has not been previously published as pathogenic or benign to our knowledge

NM_031448.6(C19orf12):c.242C>T (p.Pro81Leu)

Gene: C19orf12 (chromosome 19 open reading frame 12; minus strand). Cytogenetic location: 19q12.
Variant type: single nucleotide variant.
Coding change: c.242C>T on transcript NM_031448.6 (MANE Select); coding-DNA position 242, C replaced by T.
Protein change: p.Pro81Leu; replaces proline 81 with leucine.
Molecular consequence: missense variant.
Genome position (GRCh38, 1-based): chr19:29,702,896, G>A on the plus strand (C>T on the coding strand, the complement: C19orf12 is on the minus strand). VCF-style: chr19-29702896-G-A. GRCh37 (hg19) VCF-style: chr19-30193803-G-A.
Other names: c.242C>T, p.Pro81Leu (NM_001031726.4, NM_001256046.3, NM_001256047.2); c.50C>T, p.Pro17Leu (NM_001282929.1, NM_001282930.3, NM_001282931.3); short protein forms P17L, P81L.
Identifiers: ClinVar variation 3372545 (VCV003372545.1).
Genomic context (GRCh38, chr19:29,702,896, plus strand): 5'-CACTCCAGGTGCCTGATGATGGCTGCGGCTTCGTTAAAGAGCCTCTGTTGCTCGGCAGGG[G>A]GCAGCTCCATTAGGATCTGAGGAACCGGCTTAAACTGTCCACTTGTCATCCAGGCACCTA-3'
Protein context (NP_113636.2, residues 71-91): KPVPQILMEL[Pro81Leu]PAEQQRLFNE